The following is an entry in ClinVar:

ClinVar aggregate classification (germline): Conflicting classifications of pathogenicity. Review status: criteria provided, conflicting classifications (1 of 4 stars). 3 submissions from 3 submitters: Uncertain significance (1); Likely benign (2). Last evaluated 2022-08-19.

Conditions:
Mitochondrial complex IV deficiency, nuclear type 17. Also called: Mitochondrial complex 4 deficiency, nuclear type 17. Identifiers: MedGen C5436718, MONDO:0033652, OMIM 619061.
Inborn genetic diseases. Identifiers: MedGen C0950123, MeSH D030342.

Allele frequency attached by ClinVar (database versions not stated): TOPMed 0.00004; gnomAD 0.00006; ESP Exome Variant Server 0.00009; 1000 Genomes Project 30x 0.00016; 1000 Genomes Project 0.00020.
gnomAD v4.1: 257 of 1,539,884 alleles (0.017%); highest among the groups gnomAD compares: East Asian, 0.089%; no homozygotes.

Submissions (3):

Ambry Genetics
Classification: Uncertain significance for Inborn genetic diseases. Last evaluated: 2022-08-19. Review status: criteria provided, single submitter. Criteria: Ambry Variant Classification Scheme 2023. Collection method: clinical testing. Allele origin: germline.
Comment: The c.162+6C>T intronic alteration consists of a C to T substitution nucleotides after coding exon 1 in the APOPT1 gene. Based on insufficient or conflicting evidence, the clinical significance of this alteration remains unclear.

Fulgent Genetics
Classification: Likely benign for Mitochondrial complex IV deficiency, nuclear type 17. Last evaluated: 2021-10-14. Review status: criteria provided, single submitter. Criteria: ACMG Guidelines, 2015. Collection method: clinical testing. Allele origin: unknown.

GeneDx
Classification: Likely benign. Last evaluated: 2018-01-11. Review status: criteria provided, single submitter. Criteria: GeneDx Variant Classification (06012015). Collection method: clinical testing. Allele origin: germline. Affected: yes.
Comment: This variant is considered likely benign or benign based on one or more of the following criteria: it is a conservative change, it occurs at a poorly conserved position in the protein, it is predicted to be benign by multiple in silico algorithms, and/or has population frequency not consistent with disease.

NM_001370595.2(COA8):c.123+6C>T

Gene: COA8 (cytochrome c oxidase assembly factor 8; plus strand). Cytogenetic location: 14q32.33.
Variant type: single nucleotide variant.
Coding change: c.123+6C>T on transcript NM_001370595.2 (MANE Select); 6 bases into the intron after coding-DNA position 123, C replaced by T.
Molecular consequence: intron variant.
Genome position (GRCh38, 1-based): chr14:103,563,130, C>T. VCF-style: chr14-103563130-C-T. GRCh37 (hg19) VCF-style: chr14-104029467-C-T.
Other names: NM_001302652.2:c.123+6C>T; c.162+6C>T (NM_032374.4, NM_032374.3); c.123+6C>T (NM_001302653.2, NM_001302654.2).
Identifiers: ClinVar variation 514386 (VCV000514386.3), dbSNP rs2274266, ClinGen allele CA7365424.
Genomic context (GRCh38, chr14:103,563,130, plus strand): 5'-CTGTCAACTCGCTCCGGAGCGCGGCGCCGAGCGCAGGGATACGGCGCCCAGCGGGGTAAG[C>T]AGGGGCCTGGGGACATTGGGCCGGGAGGGGTGACCGGAAGGGAAGACAAACCCGGGCCTC-3'